The following is an entry in ClinVar:

ClinVar aggregate classification (germline): Uncertain significance (1 of 4 stars; one submission).

Conditions:
Granulomatous disease, chronic, autosomal recessive, cytochrome b-positive, type 2. Also called: CGD, AUTOSOMAL RECESSIVE CYTOCHROME b-POSITIVE, TYPE II; Chronic Granulomatous Disease, Autosomal Recessive, Cytochrome b-Positive, Type II; GRANULOMATOUS DISEASE, CHRONIC, DUE TO NCF2 DEFICIENCY; GRANULOMATOUS DISEASE, CHRONIC, AUTOSOMAL RECESSIVE, 2; Chronic granulomatous disease due to deficiency of NCF-2. Identifiers: Orphanet 379, MedGen C1856245, MONDO:0009310, OMIM 233710.

Submission:

Labcorp Genetics (formerly Invitae), Labcorp
Classification: Uncertain significance for Granulomatous disease, chronic, autosomal recessive, cytochrome b-positive, type 2. Last evaluated: 2024-11-04. Review status: criteria provided, single submitter. Criteria: Invitae Variant Classification Sherloc (09022015). Collection method: clinical testing. Allele origin: germline.
Comment: This sequence change replaces glycine, which is neutral and non-polar, with cysteine, which is neutral and slightly polar, at codon 44 of the NCF2 protein (p.Gly44Cys). Information on the frequency of this variant in the gnomAD database is not available, as this variant may be reported differently in the database. This missense change has been observed in individual(s) with chronic granulomatous disease (PMID: 20167518). ClinVar contains an entry for this variant (Variation ID: 1941482). Experimental studies and prediction algorithms are not available or were not evaluated, and the functional significance of this variant is currently unknown. In summary, the available evidence is currently insufficient to determine the role of this variant in disease. Therefore, it has been classified as a Variant of Uncertain Significance.

Literature cited by the submitters: PubMed 20167518.

NM_000433.4(NCF2):c.129_130delinsCT (p.Gly44Cys)

Gene: NCF2 (neutrophil cytosolic factor 2; minus strand). Cytogenetic location: 1q25.3.
Variant type: Indel.
Coding change: c.129_130delinsCT on transcript NM_000433.4 (MANE Select); coding-DNA positions 129 to 130, TG replaced by CT.
Protein change: p.Gly44Cys; replaces glycine 44 with cysteine.
Molecular consequence: missense variant.
Genome position (GRCh38, 1-based): chr1:183,590,200-183,590,201, CA replaced by AG on the plus strand (TG replaced by CT on the coding strand, the reverse complement: NCF2 is on the minus strand). VCF-style: chr1-183590200-CA-AG. GRCh37 (hg19) VCF-style: chr1-183559335-CA-AG.
Other names: c.129_130delinsCT, p.Gly44Cys (NM_001127651.3, NM_001190789.2, NM_001190794.2); c.129_130delTGinsCT, p.Gly44Cys (NM_001410895.1); short protein forms G44C.
Identifiers: ClinVar variation 1941482 (VCV001941482.4), dbSNP rs2528039162, ClinGen allele CA2580061607.